The following is an entry in ClinVar:

NM_181523.3(PIK3R1):c.1289A>C (p.Lys430Thr)

Gene: PIK3R1 (phosphoinositide-3-kinase regulatory subunit 1; plus strand). Cytogenetic location: 5q13.1.
Variant type: single nucleotide variant.
Coding change: c.1289A>C on transcript NM_181523.3 (MANE Select); coding-DNA position 1289, A replaced by C.
Protein change: p.Lys430Thr; replaces lysine 430 with threonine.
Molecular consequence: missense variant.
Genome position (GRCh38, 1-based): chr5:68,293,473, A>C. VCF-style: chr5-68293473-A-C. GRCh37 (hg19) VCF-style: chr5-67589301-A-C.
Other names: c.200A>C, p.Lys67Thr (NM_001242466.2); c.479A>C, p.Lys160Thr (NM_181504.4); c.389A>C, p.Lys130Thr (NM_181524.2); short protein forms K160T, K430T, K130T, K67T.
Identifiers: ClinVar variation 1472297 (VCV001472297.8), dbSNP rs188617536, ClinGen allele CA3290354.
Genomic context (GRCh38, chr5:68,293,473, plus strand): 5'-ATGAATCTCTAGCTCAGTATAATCCCAAATTGGATGTGAAATTACTTTATCCAGTATCCA[A>C]ATACCAACAGGTAATAAAAACTGAATGAATTATCCAGTTACGATGTTTAGACAAGATCCT-3'
Protein context (NP_852664.1, residues 420-440): LDVKLLYPVS[Lys430Thr]YQQDQVVKED

ClinVar aggregate classification (germline): Uncertain significance (1 of 4 stars; one submission).

Conditions:
Immunodeficiency 36 with lymphoproliferation. Also called: ACTIVATED PI3K-DELTA SYNDROME 2; Immunodeficiency 36; Activated PI3K Delta Syndrome Type 2 (APDS2). Identifiers: Orphanet 397596, Orphanet 693681, MedGen C4014934, MONDO:0014453, OMIM 616005.
SHORT syndrome. Also called: LIPODYSTROPHY, PARTIAL, WITH RIEGER ANOMALY AND SHORT STATURE; PIK3R1-Related SHORT Syndrome; SHORT STATURE, HYPEREXTENSIBILITY, HERNIA, OCULAR DEPRESSION, RIEGER ANOMALY, AND TEETHING DELAY. Identifiers: Orphanet 3163, MedGen C0878684, MONDO:0010026, OMIM 269880.
Agammaglobulinemia 7, autosomal recessive (AGM7). Also called: AGAMMAGLOBULINEMIA, AUTOSOMAL RECESSIVE, DUE TO PIK3R1 DEFECT. Identifiers: MedGen C3554689, MONDO:0014083, OMIM 615214.

Allele frequency attached by ClinVar (database versions not stated): 1000 Genomes Project 30x 0.00016; 1000 Genomes Project 0.00020.
gnomAD v4.1: 28 of 1,606,578 alleles (0.0017%); highest among the groups gnomAD compares: Admixed American, 0.047%; no homozygotes.

Submission:

Labcorp Genetics (formerly Invitae), Labcorp
Classification: Uncertain significance for SHORT syndrome; Immunodeficiency 36 with lymphoproliferation; Agammaglobulinemia 7, autosomal recessive. Last evaluated: 2025-11-24. Review status: criteria provided, single submitter. Criteria: Invitae Variant Classification Sherloc (09022015). Collection method: clinical testing. Allele origin: germline.
Comment: This sequence change replaces lysine, which is basic and polar, with threonine, which is neutral and polar, at codon 430 of the PIK3R1 protein (p.Lys430Thr). This variant is present in population databases (rs188617536, gnomAD 0.05%). This variant has not been reported in the literature in individuals affected with PIK3R1-related conditions. ClinVar contains an entry for this variant (Variation ID: 1472297). Invitae Evidence Modeling of protein sequence and biophysical properties (such as structural, functional, and spatial information, amino acid conservation, physicochemical variation, residue mobility, and thermodynamic stability) has been performed for this missense variant. However, the output from this modeling did not meet the statistical confidence thresholds required to predict the impact of this variant on PIK3R1 protein function. In summary, the available evidence is currently insufficient to determine the role of this variant in disease. Therefore, it has been classified as a Variant of Uncertain Significance.